The following is an entry in ClinVar:

NM_000718.4(CACNA1B):c.49G>A (p.Gly17Ser)

Genes: CACNA1B (calcium voltage-gated channel subunit alpha1 B; plus strand), CACNA1B-AS2 (CACNA1B antisense RNA 2; minus strand). Cytogenetic location: 9q34.3.
Variant type: single nucleotide variant.
Coding change: c.49G>A on transcript NM_000718.4 (MANE Select); coding-DNA position 49, G replaced by A.
Protein change: p.Gly17Ser; replaces glycine 17 with serine.
Molecular consequence: missense variant.
Genome position (GRCh38, 1-based): chr9:137,877,982, G>A. VCF-style: chr9-137877982-G-A. GRCh37 (hg19) VCF-style: chr9-140772434-G-A.
Other names: c.49G>A, p.Gly17Ser (NM_001243812.2); short protein forms G17S.
Identifiers: ClinVar variation 1222494 (VCV001222494.7), dbSNP rs187204220, ClinGen allele CA5375606.

ClinVar aggregate classification (germline): Benign/Likely benign. Review status: criteria provided, multiple submitters, no conflicts (2 of 4 stars). 4 submissions from 4 submitters: Benign (2); Likely benign (1). 1 of the submissions does not count toward it. Last evaluated 2024-11-27.

Conditions:
CACNA1B-related disorder. Also called: CACNA1B-related condition.

Allele frequency attached by ClinVar (database versions not stated): 1000 Genomes Project 0.08846; 1000 Genomes Project 30x 0.10493; gnomAD exomes 0.11982 and 0.15604; gnomAD 0.13303 and 0.13408; ExAC 0.22673.
gnomAD v4.1: 172,869 of 1,130,022 alleles (15%); highest among the groups gnomAD compares: Admixed American, 18%; 2,903 homozygotes.

Submissions (4):

Blueprint Genetics
Classification: Likely benign. Last evaluated: 2024-11-27. Review status: criteria provided, single submitter. Criteria: ACMG Guidelines, 2015. Collection method: clinical testing. Allele origin: germline.

GeneDx
Classification: Benign. Last evaluated: 2019-10-31. Review status: criteria provided, single submitter. Criteria: GeneDx Variant Classification Process June 2021. Collection method: clinical testing. Allele origin: germline. Affected: yes.

Breakthrough Genomics
Classification: Benign. Review status: criteria provided, single submitter. Criteria: ACMG Guidelines, 2015. Collection method: not provided. Allele origin: germline. Inheritance: Autosomal recessive inheritance. Affected: yes.

PreventionGenetics, part of Exact Sciences
Classification: Benign for CACNA1B-related condition. Last evaluated: 2021-07-23. Review status: no assertion criteria provided. Collection method: clinical testing. Allele origin: germline. Not counted in ClinVar's aggregate classification.
Comment: This variant is classified as benign based on ACMG/AMP sequence variant interpretation guidelines (Richards et al. 2015 PMID: 25741868, with internal and published modifications).